The following is an entry in ClinVar:

NM_024675.4(PALB2):c.1784A>T (p.Asp595Val)

Gene: PALB2 (partner and localizer of BRCA2; minus strand). Cytogenetic location: 16p12.2.
Variant type: single nucleotide variant.
Coding change: c.1784A>T on transcript NM_024675.4 (MANE Select); coding-DNA position 1784, A replaced by T.
Protein change: p.Asp595Val; replaces aspartic acid 595 with valine.
Molecular consequence: missense variant.
Genome position (GRCh38, 1-based): chr16:23,630,370, T>A on the plus strand (A>T on the coding strand, the complement: PALB2 is on the minus strand). VCF-style: chr16-23630370-T-A. GRCh37 (hg19) VCF-style: chr16-23641691-T-A.
Other names: c.1724A>T, p.Asp575Val (NM_001407296.1); c.1784A>T, p.Asp595Val (NM_001407297.1, NM_001407298.1, NM_001407299.1 and 3 more transcripts); c.899A>T, p.Asp300Val (NM_001407304.1, NM_001407305.1, NM_001407306.1 and 5 more transcripts); c.-5A>T (NM_001407312.1, NM_001407313.1); short protein forms D575V, D595V, D300V.
Identifiers: ClinVar variation 2092664 (VCV002092664.4), dbSNP rs1555460652, ClinGen allele CA395128117.

ClinVar aggregate classification (germline): Uncertain significance (1 of 4 stars; one submission).

Conditions:
Familial cancer of breast. Also called: hereditary breast carcinoma; BREAST CANCER, FAMILIAL; Hereditary breast cancer. Identifiers: Orphanet 227535, MedGen C0346153, MONDO:0016419, OMIM 114480. Disease mechanism: loss of function.

Submission:

Labcorp Genetics (formerly Invitae), Labcorp
Classification: Uncertain significance for Familial cancer of breast. Last evaluated: 2022-02-04. Review status: criteria provided, single submitter. Criteria: Invitae Variant Classification Sherloc (09022015). Collection method: clinical testing. Allele origin: germline.
Comment: This sequence change replaces aspartic acid, which is acidic and polar, with valine, which is neutral and non-polar, at codon 595 of the PALB2 protein (p.Asp595Val). In summary, the available evidence is currently insufficient to determine the role of this variant in disease. Therefore, it has been classified as a Variant of Uncertain Significance. Algorithms developed to predict the effect of missense changes on protein structure and function are either unavailable or do not agree on the potential impact of this missense change (SIFT: "Deleterious"; PolyPhen-2: "Possibly Damaging"; Align-GVGD: "Class C0"). This variant has not been reported in the literature in individuals affected with PALB2-related conditions. This variant is not present in population databases (gnomAD no frequency).